The following is an entry in ClinVar:

NM_015046.7(SETX):c.1046T>C (p.Met349Thr)

Gene: SETX (senataxin; minus strand). Cytogenetic location: 9q34.13.
Variant type: single nucleotide variant.
Coding change: c.1046T>C on transcript NM_015046.7 (MANE Select); coding-DNA position 1046, T replaced by C.
Protein change: p.Met349Thr; replaces methionine 349 with threonine.
Molecular consequence: missense variant.
Genome position (GRCh38, 1-based): chr9:132,331,104, A>G on the plus strand (T>C on the coding strand, the complement: SETX is on the minus strand). VCF-style: chr9-132331104-A-G. GRCh37 (hg19) VCF-style: chr9-135206491-A-G.
Other names: c.1046T>C, p.Met349Thr (NM_001351527.2, NM_001351528.2); short protein forms M349T.
Identifiers: ClinVar variation 1775576 (VCV001775576.3), dbSNP rs746860419, ClinGen allele CA5297849.

ClinVar aggregate classification (germline): Uncertain significance (1 of 4 stars; one submission).

Conditions:
Inborn genetic diseases. Identifiers: MedGen C0950123, MeSH D030342.

Allele frequency attached by ClinVar (database versions not stated): ExAC 0.00001; gnomAD 0.00001; gnomAD exomes 0.00001; TOPMed 0.00002.
gnomAD v4.1: 21 of 1,613,506 alleles (0.0013%); highest among the groups gnomAD compares: African/African-American, 0.0027%; no homozygotes.

Submission:

Ambry Genetics
Classification: Uncertain significance for Inborn genetic diseases. Last evaluated: 2024-12-17. Review status: criteria provided, single submitter. Criteria: Ambry Variant Classification Scheme 2023. Collection method: clinical testing. Allele origin: germline.
Comment: The c.1046T>C (p.M349T) alteration is located in exon 9 (coding exon 7) of the SETX gene. This alteration results from a T to C substitution at nucleotide position 1046, causing the methionine (M) at amino acid position 349 to be replaced by a threonine (T). The alteration is ultra rare in population databases: Based on data from the Genome Aggregation Database (gnomAD), the SETX c.1046T>C alteration was observed in 0.003% (7/251,238). The altered amino acid is not conserved throughout evolution: This amino acid position is not conserved, and threonine is the reference amino acid in several species. Based on insufficient or conflicting evidence, the clinical significance of this alteration remains unclear.